The following is an entry in ClinVar:

ClinVar aggregate classification (germline): Uncertain significance (1 of 4 stars; one submission).

Conditions:
Gastrointestinal stromal tumor. Also called: Gastrointestinal stromal tumor, somatic; Gastrointestinal stroma tumor. Identifiers: Orphanet 44890, MedGen C0238198, MeSH D046152, MONDO:0011719, OMIM 606764, HP:0100723.

Submission:

Labcorp Genetics (formerly Invitae), Labcorp
Classification: Uncertain significance for Gastrointestinal stromal tumor. Last evaluated: 2020-10-05. Review status: criteria provided, single submitter. Criteria: Invitae Variant Classification Sherloc (09022015). Collection method: clinical testing. Allele origin: germline.
Comment: In summary, the available evidence is currently insufficient to determine the role of this variant in disease. Therefore, it has been classified as a Variant of Uncertain Significance. Algorithms developed to predict the effect of missense changes on protein structure and function (SIFT, PolyPhen-2, Align-GVGD) all suggest that this variant is likely to be disruptive, but these predictions have not been confirmed by published functional studies and their clinical significance is uncertain. This variant has not been reported in the literature in individuals with PDGFRA-related conditions. This variant is not present in population databases (ExAC no frequency). This sequence change replaces tyrosine with cysteine at codon 273 of the PDGFRA protein (p.Tyr273Cys). The tyrosine residue is highly conserved and there is a large physicochemical difference between tyrosine and cysteine.

NM_006206.6(PDGFRA):c.818A>G (p.Tyr273Cys)

Gene: PDGFRA (platelet derived growth factor receptor alpha; plus strand). Cytogenetic location: 4q12.
Variant type: single nucleotide variant.
Coding change: c.818A>G on transcript NM_006206.6 (MANE Select); coding-DNA position 818, A replaced by G.
Protein change: p.Tyr273Cys; replaces tyrosine 273 with cysteine.
Molecular consequence: missense variant.
Genome position (GRCh38, 1-based): chr4:54,267,347, A>G. VCF-style: chr4-54267347-A-G. GRCh37 (hg19) VCF-style: chr4-55133514-A-G.
Other names: c.818A>G, p.Tyr273Cys (NM_001347827.2, NM_001347829.2); c.893A>G, p.Tyr298Cys (NM_001347828.2); c.857A>G, p.Tyr286Cys (NM_001347830.2); short protein forms Y273C, Y286C, Y298C.
Identifiers: ClinVar variation 1003526 (VCV001003526.9), dbSNP rs1723085868, ClinGen allele CA356891175.